The following is an entry in ClinVar:

NM_144997.7(FLCN):c.986C>A (p.Ser329Tyr)

Gene: FLCN (folliculin; minus strand). Cytogenetic location: 17p11.2.
Variant type: single nucleotide variant.
Coding change: c.986C>A on transcript NM_144997.7 (MANE Select); coding-DNA position 986, C replaced by A.
Protein change: p.Ser329Tyr; replaces serine 329 with tyrosine.
Molecular consequence: missense variant.
Genome position (GRCh38, 1-based): chr17:17,219,095, G>T on the plus strand (C>A on the coding strand, the complement: FLCN is on the minus strand). VCF-style: chr17-17219095-G-T. GRCh37 (hg19) VCF-style: chr17-17122409-G-T.
Other names: c.1040C>A, p.Ser347Tyr (NM_001353229.2); c.986C>A, p.Ser329Tyr (NM_001353230.2, NM_001353231.2); short protein forms S347Y, S329Y.
Identifiers: ClinVar variation 1450532 (VCV001450532.6), dbSNP rs770027312, ClinGen allele CA398532868.

ClinVar aggregate classification (germline): Uncertain significance (1 of 4 stars; one submission).

Conditions:
Birt-Hogg-Dube syndrome. Also called: Birt Hogg Dubé syndrome. Identifiers: Orphanet 122, MedGen C0346010, MONDO:0800444.

Submission:

Labcorp Genetics (formerly Invitae), Labcorp
Classification: Uncertain significance for Birt-Hogg-Dube syndrome. Last evaluated: 2024-06-03. Review status: criteria provided, single submitter. Criteria: Invitae Variant Classification Sherloc (09022015). Collection method: clinical testing. Allele origin: germline.
Comment: This sequence change replaces serine, which is neutral and polar, with tyrosine, which is neutral and polar, at codon 329 of the FLCN protein (p.Ser329Tyr). This variant is not present in population databases (gnomAD no frequency). This variant has not been reported in the literature in individuals affected with FLCN-related conditions. ClinVar contains an entry for this variant (Variation ID: 1450532). Advanced modeling of protein sequence and biophysical properties (such as structural, functional, and spatial information, amino acid conservation, physicochemical variation, residue mobility, and thermodynamic stability) performed at Invitae indicates that this missense variant is not expected to disrupt FLCN protein function with a negative predictive value of 80%. In summary, the available evidence is currently insufficient to determine the role of this variant in disease. Therefore, it has been classified as a Variant of Uncertain Significance.